The following is an entry in ClinVar:

NM_017636.4(TRPM4):c.1492C>A (p.Leu498Ile)

Gene: TRPM4 (transient receptor potential cation channel subfamily M member 4; plus strand). Cytogenetic location: 19q13.33.
Variant type: single nucleotide variant.
Coding change: c.1492C>A on transcript NM_017636.4 (MANE Select); coding-DNA position 1492, C replaced by A.
Protein change: p.Leu498Ile; replaces leucine 498 with isoleucine.
Molecular consequence: missense variant. On other transcripts: 5 prime UTR variant (1).
Genome position (GRCh38, 1-based): chr19:49,182,806, C>A. VCF-style: chr19-49182806-C-A. GRCh37 (hg19) VCF-style: chr19-49686063-C-A.
Other names: c.1492C>A, p.Leu498Ile (NM_001195227.2); c.1147C>A, p.Leu383Ile (NM_001321281.2); c.-62C>A (NM_001321282.2); c.970C>A, p.Leu324Ile (NM_001321283.2); c.430C>A, p.Leu144Ile (NM_001321285.2); short protein forms L144I, L324I, L383I, L498I.
Identifiers: ClinVar variation 1020211 (VCV001020211.10), dbSNP rs757025634, ClinGen allele CA9569208.

ClinVar aggregate classification (germline): Uncertain significance (1 of 4 stars; one submission).

Conditions:
Progressive familial heart block type IB (PFHB1B). Identifiers: Orphanet 871, MedGen C1970298, MONDO:0011474, OMIM 604559.

Allele frequency attached by ClinVar (database versions not stated): ExAC 0.00002; gnomAD exomes 0.00002.
gnomAD v4.1: 2 of 1,577,516 alleles (0.00013%); highest among the groups gnomAD compares: South Asian, 0.0022%; no homozygotes.

Submission:

Labcorp Genetics (formerly Invitae), Labcorp
Classification: Uncertain significance for Progressive familial heart block type IB. Last evaluated: 2022-07-05. Review status: criteria provided, single submitter. Criteria: Invitae Variant Classification Sherloc (09022015). Collection method: clinical testing. Allele origin: germline.
Comment: In summary, the available evidence is currently insufficient to determine the role of this variant in disease. Therefore, it has been classified as a Variant of Uncertain Significance. Algorithms developed to predict the effect of missense changes on protein structure and function (SIFT, PolyPhen-2, Align-GVGD) all suggest that this variant is likely to be tolerated. ClinVar contains an entry for this variant (Variation ID: 1020211). This variant has not been reported in the literature in individuals affected with TRPM4-related conditions. This variant is present in population databases (rs757025634, gnomAD 0.01%). This sequence change replaces leucine, which is neutral and non-polar, with isoleucine, which is neutral and non-polar, at codon 498 of the TRPM4 protein (p.Leu498Ile).